The following is an entry in ClinVar:

ClinVar aggregate classification (germline): Benign/Likely benign. Review status: criteria provided, multiple submitters, no conflicts (2 of 4 stars). 4 submissions from 4 submitters: Benign (1); Likely benign (3). Last evaluated 2024-05-28.

Conditions:
Familial adenomatous polyposis 1 (FAP1). Also called: FAMILIAL ADENOMATOUS POLYPOSIS 1, ATTENUATED; POLYPOSIS, ADENOMATOUS INTESTINAL. Identifiers: MedGen C2713442, MONDO:0021056, OMIM 175100. Disease mechanism: loss of function.
Hereditary cancer-predisposing syndrome. Also called: Tumor predisposition; Neoplastic Syndromes, Hereditary; Hereditary neoplastic syndrome; Hereditary Cancer Syndrome. Identifiers: Orphanet 140162, MedGen C0027672, MeSH D009386, MONDO:0015356.

Allele frequency attached by ClinVar (database versions not stated): ExAC 0.00001.
gnomAD v4.1: 2 of 1,613,042 alleles (0.00012%); highest among the groups gnomAD compares: Non-Finnish European, 0.00017%; no homozygotes.

Submissions (4):

Labcorp Genetics (formerly Invitae), Labcorp
Classification: Likely benign for Familial adenomatous polyposis 1. Last evaluated: 2024-05-28. Review status: criteria provided, single submitter. Criteria: Invitae Variant Classification Sherloc (09022015). Collection method: clinical testing. Allele origin: germline.

Myriad Genetics, Inc.
Classification: Benign for Familial adenomatous polyposis 1. Last evaluated: 2024-02-26. Review status: criteria provided, single submitter. Criteria: Myriad Autosomal Dominant, Autosomal Recessive and X-Linked Classification Criteria (2023). Collection method: clinical testing. Allele origin: unknown.
Comment: This variant is considered benign. This variant is a silent/synonymous amino acid change and it is not expected to impact splicing.

Color Diagnostics, LLC DBA Color Health
Classification: Likely benign for Hereditary cancer-predisposing syndrome. Last evaluated: 2020-06-22. Review status: criteria provided, single submitter. Criteria: ACMG Guidelines, 2015. Collection method: clinical testing. Allele origin: germline.

Ambry Genetics
Classification: Likely benign for Hereditary cancer-predisposing syndrome. Last evaluated: 2017-11-10. Review status: criteria provided, single submitter. Criteria: Ambry Variant Classification Scheme 2023. Collection method: clinical testing. Allele origin: germline.

NM_000038.6(APC):c.768T>C (p.Asp256=)

Gene: APC (APC regulator of Wnt signaling pathway; plus strand). Cytogenetic location: 5q22.2.
Variant type: single nucleotide variant.
Coding change: c.768T>C on transcript NM_000038.6 (MANE Select); coding-DNA position 768, T replaced by C.
Protein change: p.Asp256=; no amino-acid change (aspartic acid 256 retained).
Molecular consequence: synonymous variant. On other transcripts: 5 prime UTR variant (1).
Genome position (GRCh38, 1-based): chr5:112,801,317, T>C. VCF-style: chr5-112801317-T-C. GRCh37 (hg19) VCF-style: chr5-112137014-T-C.
Other names: c.768T>C, p.Asp256= (NM_001127510.3, NM_001354895.2, NM_001354896.2 and 1 more transcripts); c.714T>C, p.Asp238= (NM_001127511.3); c.798T>C, p.Asp266= (NM_001354897.2, NM_001354902.2); c.693T>C, p.Asp231= (NM_001354898.2, NM_001354904.2); c.684T>C, p.Asp228= (NM_001354899.2); c.591T>C, p.Asp197= (NM_001354900.2, NM_001354901.2, NM_001354905.2); c.-268T>C (NM_001354906.2).
Identifiers: ClinVar variation 416755 (VCV000416755.17), dbSNP rs764268036, ClinGen allele CA048965.
Genomic context (GRCh38, chr5:112,801,317, plus strand): 5'-GATGTTAACTCCATCTTAACAGAGGTCATCTCAGAACAAGCATGAAACCGGCTCACATGA[T>C]GCTGAGCGGCAGAATGAAGGTCAAGGAGTGGGAGAAATCAACATGGCAACTTCTGGTAAT-3'
Protein context (NP_000029.2, residues 246-266): SQNKHETGSH[Asp256=]AERQNEGQGV